The following is an entry in ClinVar:

ClinVar aggregate classification (germline): Uncertain significance (1 of 4 stars; one submission).

Conditions:
Malignant hyperthermia, susceptibility to, 1 (MHS1). Also called: Anesthesia related hyperthermia; Malignant hyperpyrexia; Fulminating hyperpyrexia; Pharmacogenic myopathy; RYR1-Related Malignant Hyperthermia Susceptibility; Malignant hyperthermia suceptibility 1. Identifiers: Orphanet 423, MedGen C2930980, MONDO:0007783, OMIM 145600.

gnomAD v4.1: 8 of 1,614,128 alleles (0.0005%); highest among the groups gnomAD compares: Non-Finnish European, 0.00068%; no homozygotes.

Submission:

All of Us Research Program, National Institutes of Health
Classification: Uncertain significance for Malignant hyperthermia, susceptibility to, 1. Last evaluated: 2024-05-14. Review status: criteria provided, single submitter. Criteria: ACMG Guidelines, 2015. Collection method: clinical testing. Allele origin: germline. Inheritance: Autosomal dominant inheritance. Observed: 1 variant allele, 1 heterozygote.
Comment: This missense variant replaces asparagine with threonine at codon 1157 of the RYR1 protein. Computational prediction suggests that this variant may not impact protein structure and function (internally defined REVEL score threshold <= 0.5, PMID: 27666373). To our knowledge, functional studies have not been reported for this variant. This variant has not been reported in individuals affected with RYR1-related disorders in the literature. This variant has not been identified in the general population by the Genome Aggregation Database (gnomAD). The available evidence is insufficient to determine the role of this variant in disease conclusively. Therefore, this variant is classified as a Variant of Uncertain Significance.

This study involves interpretation of variants in research participants for the purpose of population health screening. Participant phenotype was not available at the time of variant classification. Additional details can be found in publication PMID: 35346344, PMCID: PMC8962531

NM_000540.3(RYR1):c.3470A>C (p.Asn1157Thr)

Gene: RYR1 (ryanodine receptor 1; plus strand). Cytogenetic location: 19q13.2.
Variant type: single nucleotide variant.
Coding change: c.3470A>C on transcript NM_000540.3 (MANE Select); coding-DNA position 3470, A replaced by C.
Protein change: p.Asn1157Thr; replaces asparagine 1157 with threonine.
Molecular consequence: missense variant.
Genome position (GRCh38, 1-based): chr19:38,469,054, A>C. VCF-style: chr19-38469054-A-C. GRCh37 (hg19) VCF-style: chr19-38959694-A-C.
Other names: c.3470A>C, p.Asn1157Thr (NM_001042723.2); short protein forms N1157T.
Identifiers: ClinVar variation 3387684 (VCV003387684.1).
Genomic context (GRCh38, chr19:38,469,054, plus strand): 5'-CATTTGGGCGCCCCTGGCAGCCGGGCGATGTCGTTGGCTGTATGATCGACCTCACAGAGA[A>C]CACCATTATCTTCACCCTCAATGGCGAGGTCCTCATGTCTGACTCAGGCTCCGAAACAGC-3'
Protein context (NP_000531.2, residues 1147-1167): VVGCMIDLTE[Asn1157Thr]TIIFTLNGEV